The following is an entry in ClinVar:

ClinVar aggregate classification (germline): Pathogenic (1 of 4 stars; one submission).

Conditions:
Hereditary cancer-predisposing syndrome. Also called: Neoplastic Syndromes, Hereditary; Hereditary neoplastic syndrome; Tumor predisposition; Hereditary Cancer Syndrome. Identifiers: Orphanet 140162, MedGen C0027672, MeSH D009386, MONDO:0015356.

Submission:

Ambry Genetics
Classification: Pathogenic for Hereditary cancer-predisposing syndrome. Last evaluated: 2026-02-03. Review status: criteria provided, single submitter. Criteria: Ambry Variant Classification Scheme 2023. Collection method: clinical testing. Allele origin: germline.
Comment: The c.383delTinsAA pathogenic mutation, located in coding exon 2 of the VHL gene, results from the deletion of one nucleotide and insertion of two nucleotides causing a translational frameshift with a predicted alternate stop codon (p.L128Qfs*4). This variant was reported in individual(s) with features consistent with von Hippel-Lindau syndrome (Ambry internal data). This variant is considered to be rare based on population cohorts in the Genome Aggregation Database (gnomAD). This alteration is expected to result in loss of function by premature protein truncation or nonsense-mediated mRNA decay. As such, this alteration is interpreted as a disease-causing mutation.

NM_000551.4(VHL):c.383delinsAA (p.Leu128fs)

Genes: VHL (von Hippel-Lindau tumor suppressor; plus strand), LOC107303340 (3p25 von Hippel-Lindau tumor suppressor, E3 ubiquitin protein ligase Alu-mediated recombination region; plus strand). Cytogenetic location: 3p25.3.
Variant type: Indel.
Coding change: c.383delinsAA on transcript NM_000551.4 (MANE Select); coding-DNA position 383, T replaced by AA.
Protein change: p.Leu128fs; shifts the reading frame from leucine 128.
Molecular consequence: frameshift variant. On other transcripts: non-coding transcript variant (1), intron variant (2).
Genome position (GRCh38, 1-based): chr3:10,146,556, T replaced by AA. VCF-style: chr3-10146556-T-AA. GRCh37 (hg19) VCF-style: chr3-10188240-T-AA.
Other names: c.341-3231delinsAA (NM_198156.3); c.*18-3231delinsAA (NM_001354723.2); short protein forms L128fs.
Identifiers: ClinVar variation 4824770 (VCV004824770.1).